The following is an entry in ClinVar:

NM_004370.6(COL12A1):c.2131A>T (p.Ile711Phe)

Gene: COL12A1 (collagen type XII alpha 1 chain; minus strand). Cytogenetic location: 6q13.
Variant type: single nucleotide variant.
Coding change: c.2131A>T on transcript NM_004370.6 (MANE Select); coding-DNA position 2131, A replaced by T.
Protein change: p.Ile711Phe; replaces isoleucine 711 with phenylalanine.
Molecular consequence: missense variant. On other transcripts: intron variant (2).
Genome position (GRCh38, 1-based): chr6:75,180,972, T>A on the plus strand (A>T on the coding strand, the complement: COL12A1 is on the minus strand). VCF-style: chr6-75180972-T-A. GRCh37 (hg19) VCF-style: chr6-75890688-T-A.
Other names: c.2131A>T, p.Ile711Phe (NM_001424113.1, NM_001424114.1, NM_001424115.1); c.73+21748A>T (NM_001424116.1, NM_080645.3); short protein forms I711F.
Identifiers: ClinVar variation 4848308 (VCV004848308.1).

ClinVar aggregate classification (germline): Uncertain significance (1 of 4 stars; one submission).

gnomAD v4.1: 2 of 1,613,910 alleles (0.00012%); highest among the groups gnomAD compares: African/African-American, 0.0027%; no homozygotes.

Submission:

Women's Health and Genetics/Laboratory Corporation of America, LabCorp
Classification: Uncertain significance. Last evaluated: 2026-02-17. Review status: criteria provided, single submitter. Criteria: LabCorp Variant Classification Summary - May 2015. Collection method: clinical testing. Allele origin: germline.
Comment: Variant summary: COL12A1 c.2131A>T (p.Ile711Phe) results in a non-conservative amino acid change in the encoded protein sequence. Algorithms developed to predict the effect of missense changes on protein structure and function are either unavailable or do not agree on the potential impact of this missense change. The variant allele was found at a frequency of 4e-06 in 249106 control chromosomes. The available data on variant occurrences in the general population are insufficient to allow any conclusion about variant significance. To our knowledge, no occurrence of c.2131A>T in individuals affected with COL12A1-related conditions and no experimental evidence demonstrating its impact on protein function have been reported. No submitters have cited clinical-significance assessments for this variant to ClinVar. Based on the evidence outlined above, the variant was classified as uncertain significance.